The following is an entry in ClinVar:

NM_000551.4(VHL):c.286C>T (p.Gln96Ter)

Gene: VHL (von Hippel-Lindau tumor suppressor; plus strand). Cytogenetic location: 3p25.3.
Variant type: single nucleotide variant.
Coding change: c.286C>T on transcript NM_000551.4 (MANE Select); coding-DNA position 286, C replaced by T.
Protein change: p.Gln96Ter; replaces glutamine 96 with a stop codon.
Molecular consequence: nonsense.
Genome position (GRCh38, 1-based): chr3:10,142,133, C>T. VCF-style: chr3-10142133-C-T. GRCh37 (hg19) VCF-style: chr3-10183817-C-T.
Other names: c.286C>T, p.Gln96Ter (NM_001354723.2, NM_198156.3); short protein forms Q96*.
Identifiers: ClinVar variation 428804 (VCV000428804.7), dbSNP rs1131690959, ClinGen allele CA351750811.

ClinVar aggregate classification (germline): Pathogenic. Review status: criteria provided, multiple submitters, no conflicts (2 of 4 stars). 2 submissions from 2 submitters: Pathogenic (2). Last evaluated 2025-04-29.

Conditions:
Von Hippel-Lindau syndrome (VHLS). Also called: von Hippel–Lindau syndrome; Von Hippel-Lindau; VHL syndrome. Identifiers: Orphanet 892, MedGen C0019562, MONDO:0008667, OMIM 193300. Disease mechanism: loss of function.
Chuvash polycythemia. Also called: POLYCYTHEMIA, VHL-DEPENDENT. Identifiers: Orphanet 238557, MedGen C1837915, MONDO:0009892, OMIM 263400.
Hereditary cancer-predisposing syndrome. Also called: Hereditary neoplastic syndrome; Tumor predisposition; Neoplastic Syndromes, Hereditary; Hereditary Cancer Syndrome. Identifiers: Orphanet 140162, MedGen C0027672, MeSH D009386, MONDO:0015356.

Submissions (2):

Labcorp Genetics (formerly Invitae), Labcorp
Classification: Pathogenic for Von Hippel-Lindau syndrome; Chuvash polycythemia. Last evaluated: 2025-04-29. Review status: criteria provided, single submitter. Criteria: Invitae Variant Classification Sherloc (09022015). Collection method: clinical testing. Allele origin: germline.
Comment: This sequence change creates a premature translational stop signal (p.Gln96*) in the VHL gene. It is expected to result in an absent or disrupted protein product. Loss-of-function variants in VHL are known to be pathogenic (PMID: 8956040, 12202531). This variant is not present in population databases (gnomAD no frequency). This premature translational stop signal has been observed in individual(s) with clinical features of von Hippel-Lindau syndrome (PMID: 9829911, 27527340, 30548481, 35441217, 36905328). ClinVar contains an entry for this variant (Variation ID: 428804). For these reasons, this variant has been classified as Pathogenic.

Ambry Genetics
Classification: Pathogenic for Hereditary cancer-predisposing syndrome. Last evaluated: 2025-01-09. Review status: criteria provided, single submitter. Criteria: Ambry Variant Classification Scheme 2023. Collection method: clinical testing. Allele origin: germline.
Comment: The p.Q96* pathogenic mutation (also known as c.286C>T), located in coding exon 1 of the VHL gene, results from a C to T substitution at nucleotide position 286. This changes the amino acid from a glutamine to a stop codon within coding exon 1. This variant was reported in individual(s) with features consistent with von Hippel-Lindau syndrome (Ambry internal data). This variant is considered to be rare based on population cohorts in the Genome Aggregation Database (gnomAD). This alteration is expected to result in loss of function by premature protein truncation or nonsense-mediated mRNA decay. As such, this alteration is interpreted as a disease-causing mutation.

Literature cited by the submitters: PubMed 8956040 (cited by Labcorp Genetics (formerly Invitae), Labcorp); PubMed 12202531 (cited by Labcorp Genetics (formerly Invitae), Labcorp); PubMed 9829911 (cited by Labcorp Genetics (formerly Invitae), Labcorp); PubMed 27527340 (cited by Labcorp Genetics (formerly Invitae), Labcorp); PubMed 30548481 (cited by Labcorp Genetics (formerly Invitae), Labcorp and Ambry Genetics); PubMed 35441217 (cited by Labcorp Genetics (formerly Invitae), Labcorp); PubMed 36905328 (cited by Labcorp Genetics (formerly Invitae), Labcorp).